The following is an entry in ClinVar:

ClinVar aggregate classification (germline): Uncertain significance. Review status: criteria provided, multiple submitters, no conflicts (2 of 4 stars). 2 submissions from 2 submitters: Uncertain significance (2). Last evaluated 2025-03-04.

Allele frequency attached by ClinVar (database versions not stated): gnomAD exomes below 0.00001.

Submissions (2):

Center for Genomic Medicine, Rigshospitalet, Copenhagen University Hospital
Classification: Uncertain significance. Last evaluated: 2025-03-04. Review status: criteria provided, single submitter. Criteria: ACMG Guidelines, 2015. Collection method: clinical testing. Allele origin: germline.

Ambry Genetics
Classification: Uncertain significance. Last evaluated: 2021-08-02. Review status: criteria provided, single submitter. Criteria: Ambry Variant Classification Scheme 2023. Collection method: clinical testing. Allele origin: germline.
Comment: The p.G1286S variant (also known as c.3856G>A), located in coding exon 8 of the MLH3 gene, results from a G to A substitution at nucleotide position 3856. The glycine at codon 1286 is replaced by serine, an amino acid with similar properties. This amino acid position is conserved. In addition, this alteration is predicted to be deleterious by in silico analysis. Since supporting evidence is limited at this time, the clinical significance of this alteration remains unclear.

NM_001040108.2(MLH3):c.3856G>A (p.Gly1286Ser)

Gene: MLH3 (mutL homolog 3; minus strand). Cytogenetic location: 14q24.3.
Variant type: single nucleotide variant.
Coding change: c.3856G>A on transcript NM_001040108.2 (MANE Select); coding-DNA position 3856, G replaced by A.
Protein change: p.Gly1286Ser; replaces glycine 1286 with serine.
Molecular consequence: missense variant.
Genome position (GRCh38, 1-based): chr14:75,030,674, C>T on the plus strand (G>A on the coding strand, the complement: MLH3 is on the minus strand). VCF-style: chr14-75030674-C-T. GRCh37 (hg19) VCF-style: chr14-75497377-C-T.
Other names: c.3784G>A, p.Gly1262Ser (NM_014381.3); short protein forms G1262S, G1286S.
Identifiers: ClinVar variation 1735558 (VCV001735558.3), dbSNP rs2139387238, ClinGen allele CA390423220.